The following is an entry in ClinVar:

NM_182914.3(SYNE2):c.1774G>T (p.Val592Leu)

Gene: SYNE2 (spectrin repeat containing nuclear envelope protein 2; plus strand). Cytogenetic location: 14q23.2.
Variant type: single nucleotide variant.
Coding change: c.1774G>T on transcript NM_182914.3 (MANE Select); coding-DNA position 1774, G replaced by T.
Protein change: p.Val592Leu; replaces valine 592 with leucine.
Molecular consequence: missense variant.
Genome position (GRCh38, 1-based): chr14:63,981,111, G>T. VCF-style: chr14-63981111-G-T. GRCh37 (hg19) VCF-style: chr14-64447829-G-T.
Other names: c.1774G>T, p.Val592Leu (NM_015180.6); short protein forms V592L.
Identifiers: ClinVar variation 1352207 (VCV001352207.8), dbSNP rs2153473289, ClinGen allele CA389960726.

ClinVar aggregate classification (germline): Uncertain significance (1 of 4 stars; one submission).

Conditions:
Emery-Dreifuss muscular dystrophy 5, autosomal dominant (EDMD5). Also called: EMERY-DREIFUSS MUSCULAR DYSTROPHY 5. Identifiers: Orphanet 261, MedGen C2751805, MONDO:0013072, OMIM 612999.

Submission:

Labcorp Genetics (formerly Invitae), Labcorp
Classification: Uncertain significance for Emery-Dreifuss muscular dystrophy 5, autosomal dominant. Last evaluated: 2021-07-14. Review status: criteria provided, single submitter. Criteria: Invitae Variant Classification Sherloc (09022015). Collection method: clinical testing. Allele origin: germline.
Comment: This sequence change replaces valine with leucine at codon 592 of the SYNE2 protein (p.Val592Leu). The valine residue is weakly conserved and there is a small physicochemical difference between valine and leucine. In summary, the available evidence is currently insufficient to determine the role of this variant in disease. Therefore, it has been classified as a Variant of Uncertain Significance. Algorithms developed to predict the effect of missense changes on protein structure and function output the following: SIFT: "Tolerated"; PolyPhen-2: "Benign"; Align-GVGD: "Class C0". The leucine amino acid residue is found in multiple mammalian species, which suggests that this missense change does not adversely affect protein function. This variant has not been reported in the literature in individuals affected with SYNE2-related conditions. This variant is not present in population databases (ExAC no frequency).